The following is an entry in ClinVar:

NM_006017.3(PROM1):c.169G>A (p.Glu57Lys)

Gene: PROM1 (prominin 1; minus strand). Cytogenetic location: 4p15.32.
Variant type: single nucleotide variant.
Coding change: c.169G>A on transcript NM_006017.3 (MANE Select); coding-DNA position 169, G replaced by A.
Protein change: p.Glu57Lys; replaces glutamic acid 57 with lysine.
Molecular consequence: missense variant.
Genome position (GRCh38, 1-based): chr4:16,075,738, C>T on the plus strand (G>A on the coding strand, the complement: PROM1 is on the minus strand). VCF-style: chr4-16075738-C-T. GRCh37 (hg19) VCF-style: chr4-16077361-C-T.
Other names: c.169G>A, p.Glu57Lys (NM_001145847.2, NM_001145848.2, NM_001145849.2 and 6 more transcripts); short protein forms E57K.
Identifiers: ClinVar variation 1938587 (VCV001938587.5), dbSNP rs1441970045, ClinGen allele CA356437769.

ClinVar aggregate classification (germline): Uncertain significance (1 of 4 stars; one submission).

Allele frequency attached by ClinVar (database versions not stated): gnomAD exomes below 0.00001; gnomAD 0.00001.
gnomAD v4.1: 5 of 1,613,616 alleles (0.00031%); highest among the groups gnomAD compares: Admixed American, 0.005%; no homozygotes.

Submission:

Labcorp Genetics (formerly Invitae), Labcorp
Classification: Uncertain significance. Last evaluated: 2023-03-12. Review status: criteria provided, single submitter. Criteria: Invitae Variant Classification Sherloc (09022015). Collection method: clinical testing. Allele origin: germline.
Comment: Advanced modeling of protein sequence and biophysical properties (such as structural, functional, and spatial information, amino acid conservation, physicochemical variation, residue mobility, and thermodynamic stability) performed at Invitae indicates that this missense variant is not expected to disrupt PROM1 protein function. In summary, the available evidence is currently insufficient to determine the role of this variant in disease. Therefore, it has been classified as a Variant of Uncertain Significance. ClinVar contains an entry for this variant (Variation ID: 1938587). This missense change has been observed in individual(s) with Stargardt Disease (Invitae). This variant is present in population databases (no rsID available, gnomAD 0.006%). This sequence change replaces glutamic acid, which is acidic and polar, with lysine, which is basic and polar, at codon 57 of the PROM1 protein (p.Glu57Lys).